The following is an entry in ClinVar:

ClinVar aggregate classification (germline): Uncertain significance (1 of 4 stars; one submission).

gnomAD v4.1: 1 of 1,211,512 alleles (0.000083%); highest among the groups gnomAD compares: South Asian, 0.0018%; no homozygotes.

Submission:

GeneDx
Classification: Uncertain significance. Last evaluated: 2025-01-02. Review status: criteria provided, single submitter. Criteria: GeneDx Variant Classification Process June 2021. Collection method: clinical testing. Allele origin: germline. Affected: yes.
Comment: In silico analysis indicates that this missense variant does not alter protein structure/function; Not observed at significant frequency in large population cohorts (gnomAD); Has not been previously published as pathogenic or benign to our knowledge

NM_003179.3(SYP):c.290T>C (p.Val97Ala)

Gene: SYP (synaptophysin; minus strand). Cytogenetic location: Xp11.23.
Variant type: single nucleotide variant.
Coding change: c.290T>C on transcript NM_003179.3 (MANE Select); coding-DNA position 290, T replaced by C.
Protein change: p.Val97Ala; replaces valine 97 with alanine.
Molecular consequence: missense variant.
Genome position (GRCh38, 1-based): chrX:49,194,299, A>G on the plus strand (T>C on the coding strand, the complement: SYP is on the minus strand). VCF-style: chrX-49194299-A-G. GRCh37 (hg19) VCF-style: chrX-49050756-A-G.
Other names: short protein forms V97A.
Identifiers: ClinVar variation 4055991 (VCV004055991.1).